The following is an entry in ClinVar:

ClinVar aggregate classification (germline): Uncertain significance. Review status: criteria provided, multiple submitters, no conflicts (2 of 4 stars). 4 submissions from 4 submitters: Uncertain significance (4). Last evaluated 2024-10-14.

Conditions:
Intellectual developmental disorder, autosomal recessive 46. Also called: Intellectual disability, autosomal recessive 46. Identifiers: Orphanet 88616, MedGen C4015283, MONDO:0014499, OMIM 616116.

Allele frequency attached by ClinVar (database versions not stated): TOPMed 0.00003; gnomAD 0.00001; gnomAD exomes 0.00002; ExAC 0.00001.

Submissions (4):

Labcorp Genetics (formerly Invitae), Labcorp
Classification: Uncertain significance. Last evaluated: 2024-10-14. Review status: criteria provided, single submitter. Criteria: Invitae Variant Classification Sherloc (09022015). Collection method: clinical testing. Allele origin: germline.
Comment: This sequence change replaces valine, which is neutral and non-polar, with methionine, which is neutral and non-polar, at codon 295 of the NDST1 protein (p.Val295Met). This variant is present in population databases (rs747017483, gnomAD 0.006%). This variant has not been reported in the literature in individuals affected with NDST1-related conditions. ClinVar contains an entry for this variant (Variation ID: 426984). Invitae Evidence Modeling of protein sequence and biophysical properties (such as structural, functional, and spatial information, amino acid conservation, physicochemical variation, residue mobility, and thermodynamic stability) indicates that this missense variant is not expected to disrupt NDST1 protein function with a negative predictive value of 80%. In summary, the available evidence is currently insufficient to determine the role of this variant in disease. Therefore, it has been classified as a Variant of Uncertain Significance.

Revvity Omics, Revvity
Classification: Uncertain significance for Intellectual developmental disorder, autosomal recessive 46. Last evaluated: 2021-12-15. Review status: criteria provided, single submitter. Criteria: ACMG Guidelines, 2015. Collection method: clinical testing. Allele origin: germline.

Baylor Genetics
Classification: Uncertain significance for Intellectual developmental disorder, autosomal recessive 46. Last evaluated: 2019-07-31. Review status: criteria provided, single submitter. Criteria: ACMG Guidelines, 2015. Collection method: clinical testing. Allele origin: maternal. Affected: yes.
Comment: This variant was determined to be of uncertain significance according to ACMG Guidelines, 2015 [PMID:25741868].

GeneDx
Classification: Uncertain significance. Last evaluated: 2016-12-02. Review status: criteria provided, single submitter. Criteria: GeneDx Variant Classification (06012015). Collection method: clinical testing. Allele origin: germline. Affected: yes.
Comment: The V295M variant in the NDST1 gene has not been reported previously as a pathogenic variant, nor as a benign variant, to our knowledge. The V295M variant was not observed in approximately 6,500 individuals of European and African American ancestry in the NHLBI Exome Sequencing Project, indicating it is not a common benign variant in these populations. This substitution occurs at a position that is conserved across species. However, the V295M variant is a conservative amino acid substitution, which is not likely to impact secondary protein structure as these residues share similar properties. In silico analysis is inconsistent in its predictions as to whether or not the variant is damaging to the protein structure/function. We interpret V295M as a variant of uncertain significance.

NM_001543.5(NDST1):c.883G>A (p.Val295Met)

Gene: NDST1 (N-deacetylase and N-sulfotransferase 1; plus strand). Cytogenetic location: 5q33.1.
Variant type: single nucleotide variant.
Coding change: c.883G>A on transcript NM_001543.5 (MANE Select); coding-DNA position 883, G replaced by A.
Protein change: p.Val295Met; replaces valine 295 with methionine.
Molecular consequence: missense variant.
Genome position (GRCh38, 1-based): chr5:150,528,173, G>A. VCF-style: chr5-150528173-G-A. GRCh37 (hg19) VCF-style: chr5-149907735-G-A.
Other names: c.883G>A, p.Val295Met (NM_001301063.2); short protein forms V295M.
Identifiers: ClinVar variation 426984 (VCV000426984.13), dbSNP rs747017483, ClinGen allele CA3512507.